The following is an entry in ClinVar:

ClinVar aggregate classification (germline): Uncertain significance (1 of 4 stars; one submission).

Conditions:
Cardiovascular phenotype. Identifiers: MedGen CN230736.

Submission:

Ambry Genetics
Classification: Uncertain significance for Cardiovascular phenotype. Last evaluated: 2025-07-22. Review status: criteria provided, single submitter. Criteria: Ambry Variant Classification Scheme 2023. Collection method: clinical testing. Allele origin: germline.
Comment: The p.R259G variant (also known as c.775C>G), located in coding exon 1 of the FKRP gene, results from a C to G substitution at nucleotide position 775. The arginine at codon 259 is replaced by glycine, an amino acid with dissimilar properties. This amino acid position is conserved. In addition, the in silico prediction for this alteration is inconclusive. Based on the available evidence, the clinical significance of this variant remains unclear.

NM_024301.5(FKRP):c.775C>G (p.Arg259Gly)

Gene: FKRP (fukutin related protein; plus strand). Cytogenetic location: 19q13.32.
Variant type: single nucleotide variant.
Coding change: c.775C>G on transcript NM_024301.5 (MANE Select); coding-DNA position 775, C replaced by G.
Protein change: p.Arg259Gly; replaces arginine 259 with glycine.
Molecular consequence: missense variant.
Genome position (GRCh38, 1-based): chr19:46,756,225, C>G. VCF-style: chr19-46756225-C-G. GRCh37 (hg19) VCF-style: chr19-47259482-C-G.
Other names: c.775C>G, p.Arg259Gly (NM_001039885.3); short protein forms R259G.
Identifiers: ClinVar variation 4257868 (VCV004257868.1).
Genomic context (GRCh38, chr19:46,756,225, plus strand): 5'-ACCTTCGCCGCGGCGCGCCAGCCCCCGCTGGCCACGGCCCACGCGCGCTGGAAGGCTGAG[C>G]GCGAGGGACGCGCTCGGCGGGCGGCGCTGCTCCGCGCGCTGGGCATCCGCCTAGTGAGCT-3'
Protein context (NP_077277.1, residues 249-269): ATAHARWKAE[Arg259Gly]EGRARRAALL